The following is an entry in ClinVar:

ClinVar aggregate classification (germline): Uncertain significance. Review status: criteria provided, multiple submitters, no conflicts (2 of 4 stars). 2 submissions from 2 submitters: Uncertain significance (2). Last evaluated 2024-12-06.

Conditions:
Inborn genetic diseases. Identifiers: MedGen C0950123, MeSH D030342.

Allele frequency attached by ClinVar (database versions not stated): gnomAD exomes 0.00002; ExAC 0.00003; gnomAD 0.00004; TOPMed 0.00008.
gnomAD v4.1: 23 of 1,612,376 alleles (0.0014%); highest among the groups gnomAD compares: Admixed American, 0.013%; no homozygotes.

Submissions (2):

GeneDx
Classification: Uncertain significance. Last evaluated: 2024-12-06. Review status: criteria provided, single submitter. Criteria: GeneDx Variant Classification Process June 2021. Collection method: clinical testing. Allele origin: germline. Affected: yes.
Comment: Not observed at significant frequency in large population cohorts (gnomAD); In silico analysis indicates that this missense variant does not alter protein structure/function; Has not been previously published as pathogenic or benign to our knowledge

Ambry Genetics
Classification: Uncertain significance for Inborn genetic diseases. Last evaluated: 2024-03-01. Review status: criteria provided, single submitter. Criteria: Ambry Variant Classification Scheme 2023. Collection method: clinical testing. Allele origin: germline.

NM_033305.3(VPS13A):c.6746A>G (p.Gln2249Arg)

Gene: VPS13A (vacuolar protein sorting 13 homolog A; plus strand). Cytogenetic location: 9q21.2.
Variant type: single nucleotide variant.
Coding change: c.6746A>G on transcript NM_033305.3 (MANE Select); coding-DNA position 6746, A replaced by G.
Protein change: p.Gln2249Arg; replaces glutamine 2249 with arginine.
Molecular consequence: missense variant.
Genome position (GRCh38, 1-based): chr9:77,339,883, A>G. VCF-style: chr9-77339883-A-G. GRCh37 (hg19) VCF-style: chr9-79954799-A-G.
Other names: c.6629A>G, p.Gln2210Arg (NM_001018037.2); c.6746A>G, p.Gln2249Arg (NM_001018038.3, NM_015186.4); short protein forms Q2210R, Q2249R.
Identifiers: ClinVar variation 3188758 (VCV003188758.2), dbSNP rs776042340, ClinGen allele CA5093095.